The following is an entry in ClinVar:

ClinVar aggregate classification (germline): Uncertain significance (1 of 4 stars; one submission).

Conditions:
Hereditary cancer-predisposing syndrome. Also called: Neoplastic Syndromes, Hereditary; Tumor predisposition; Hereditary Cancer Syndrome; Hereditary neoplastic syndrome. Identifiers: Orphanet 140162, MedGen C0027672, MeSH D009386, MONDO:0015356.

Submission:

Ambry Genetics
Classification: Uncertain significance for Hereditary cancer-predisposing syndrome. Last evaluated: 2025-11-29. Review status: criteria provided, single submitter. Criteria: Ambry Variant Classification Scheme 2023. Collection method: clinical testing. Allele origin: germline.
Comment: The p.D236E variant (also known as c.708T>A), located in coding exon 1 of the MET gene, results from a T to A substitution at nucleotide position 708. The aspartic acid at codon 236 is replaced by glutamic acid, an amino acid with highly similar properties. This amino acid position is conserved. In addition, this alteration is predicted to be tolerated by in silico analysis. Based on the available evidence, the clinical significance of this variant remains unclear.

NM_000245.4(MET):c.708T>A (p.Asp236Glu)

Gene: MET (MET proto-oncogene, receptor tyrosine kinase; plus strand). Cytogenetic location: 7q31.2.
Variant type: single nucleotide variant.
Coding change: c.708T>A on transcript NM_000245.4 (MANE Select); coding-DNA position 708, T replaced by A.
Protein change: p.Asp236Glu; replaces aspartic acid 236 with glutamic acid.
Molecular consequence: missense variant. On other transcripts: intron variant (1).
Genome position (GRCh38, 1-based): chr7:116,699,792, T>A. VCF-style: chr7-116699792-T-A. GRCh37 (hg19) VCF-style: chr7-116339846-T-A.
Other names: c.708T>A, p.Asp236Glu (NM_001127500.3, NM_001324401.3); c.-91+27215T>A (NM_001324402.2); short protein forms D236E.
Identifiers: ClinVar variation 4648211 (VCV004648211.1).